The following is an entry in ClinVar:

ClinVar aggregate classification (germline): Uncertain significance (1 of 4 stars; one submission).

Allele frequency attached by ClinVar (database versions not stated): gnomAD 0.00001; TOPMed 0.00001; ExAC 0.00002.

Submission:

GeneDx
Classification: Uncertain significance. Last evaluated: 2025-02-21. Review status: criteria provided, single submitter. Criteria: GeneDx Variant Classification Process June 2021. Collection method: clinical testing. Allele origin: germline. Affected: yes.
Comment: Published functional studies suggest a damaging effect via aberrant protein aggregation and subcellular localization (PMID: 22829589); In silico analysis supports that this missense variant has a deleterious effect on protein structure/function; This variant is associated with the following publications: (PMID: 21886807, 38341434, 22829589)

NM_001017995.3(SH3PXD2B):c.128G>A (p.Arg43Gln)

Gene: SH3PXD2B (SH3 and PX domains 2B; minus strand). Cytogenetic location: 5q35.1.
Variant type: single nucleotide variant.
Coding change: c.128G>A on transcript NM_001017995.3 (MANE Select); coding-DNA position 128, G replaced by A.
Protein change: p.Arg43Gln; replaces arginine 43 with glutamine.
Molecular consequence: missense variant.
Genome position (GRCh38, 1-based): chr5:172,422,444, C>T on the plus strand (G>A on the coding strand, the complement: SH3PXD2B is on the minus strand). VCF-style: chr5-172422444-C-T. GRCh37 (hg19) VCF-style: chr5-171849448-C-T.
Other names: c.128G>A, p.Arg43Gln (NM_001308175.2); short protein forms R43Q.
Identifiers: ClinVar variation 2582086 (VCV002582086.2), dbSNP rs781377610, ClinGen allele CA3561669.